The following is an entry in ClinVar:

ClinVar aggregate classification (germline): Uncertain significance (1 of 4 stars; one submission).

Allele frequency attached by ClinVar (database versions not stated): gnomAD 0.00001; gnomAD exomes 0.00001; TOPMed 0.00001.
gnomAD v4.1: 6 of 1,614,100 alleles (0.00037%); highest among the groups gnomAD compares: Admixed American, 0.01%; no homozygotes.

Submission:

Labcorp Genetics (formerly Invitae), Labcorp
Classification: Uncertain significance. Last evaluated: 2023-08-09. Review status: criteria provided, single submitter. Criteria: Invitae Variant Classification Sherloc (09022015). Collection method: clinical testing. Allele origin: germline.
Comment: In summary, the available evidence is currently insufficient to determine the role of this variant in disease. Therefore, it has been classified as a Variant of Uncertain Significance. Advanced modeling of protein sequence and biophysical properties (such as structural, functional, and spatial information, amino acid conservation, physicochemical variation, residue mobility, and thermodynamic stability) performed at Invitae indicates that this missense variant is not expected to disrupt TRRAP protein function. This variant has not been reported in the literature in individuals affected with TRRAP-related conditions. This variant is present in population databases (no rsID available, gnomAD 0.01%). This sequence change replaces leucine, which is neutral and non-polar, with proline, which is neutral and non-polar, at codon 1173 of the TRRAP protein (p.Leu1173Pro).

NM_001375524.1(TRRAP):c.3518T>C (p.Leu1173Pro)

Gene: TRRAP (transformation/transcription domain associated protein; plus strand). Cytogenetic location: 7q22.1.
Variant type: single nucleotide variant.
Coding change: c.3518T>C on transcript NM_001375524.1 (MANE Select); coding-DNA position 3518, T replaced by C.
Protein change: p.Leu1173Pro; replaces leucine 1173 with proline.
Molecular consequence: missense variant.
Genome position (GRCh38, 1-based): chr7:98,930,757, T>C. VCF-style: chr7-98930757-T-C. GRCh37 (hg19) VCF-style: chr7-98528380-T-C.
Other names: c.3518T>C, p.Leu1173Pro (NM_001244580.2, NM_003496.4); short protein forms L1173P.
Identifiers: ClinVar variation 2964648 (VCV002964648.3), dbSNP rs1264964525, ClinGen allele CA368300179.